The following is an entry in ClinVar:

NM_001035.3(RYR2):c.14757-7T>A

Gene: RYR2 (ryanodine receptor 2; plus strand). Cytogenetic location: 1q43.
Variant type: single nucleotide variant.
Coding change: c.14757-7T>A on transcript NM_001035.3 (MANE Select); 7 bases into the intron before coding-DNA position 14757, T replaced by A.
Molecular consequence: intron variant.
Genome position (GRCh38, 1-based): chr1:237,831,507, T>A. VCF-style: chr1-237831507-T-A. GRCh37 (hg19) VCF-style: chr1-237994807-T-A.
Other names: p.?.
Identifiers: ClinVar variation 746058 (VCV000746058.10), dbSNP rs757297613, ClinGen allele CA085748.
Genomic context (GRCh38, chr1:237,831,507, plus strand): 5'-AAATATGCCCTGTTTATCCTAATATTTCCATACCGTTCATTTCTGATCAGTTTCTCTGTA[T>A]CTGTAGGTTTTTTCTGATGTATCTTATAAACAAAGATGAAACAGAACACACAGGACAGGT-3'

ClinVar aggregate classification (germline): Benign/Likely benign. Review status: criteria provided, multiple submitters, no conflicts (2 of 4 stars). 4 submissions from 4 submitters: Benign (1); Likely benign (3). Last evaluated 2025-08-07.

Conditions:
Catecholaminergic polymorphic ventricular tachycardia (CVPT). Also called: Catecholamine-induced polymorphic ventricular tachycardia. Identifiers: Orphanet 3286, MedGen C5574922, MONDO:0017990.
Cardiomyopathy (CMYO). Also called: Cardiomyopathies. Identifiers: Orphanet 167848, MedGen C0878544, MONDO:0004994, HP:0001638. Inheritance: Various modes of inheritance.

Allele frequency attached by ClinVar (database versions not stated): gnomAD exomes 0.00022 and 0.00024; gnomAD 0.00026 and 0.00024; TOPMed 0.00023; ExAC 0.00024.
gnomAD v4.1: 358 of 1,508,230 alleles (0.024%); highest among the groups gnomAD compares: Non-Finnish European, 0.032%; no homozygotes.

Submissions (4):

Mayo Clinic Laboratories, Mayo Clinic
Classification: Likely benign. Last evaluated: 2025-08-07. Review status: criteria provided, single submitter. Criteria: ACMG Guidelines, 2015. Collection method: clinical testing. Allele origin: germline. Observed: 1 variant allele.
Comment: BP4, BP7

CHEO Genetics Diagnostic Laboratory, Children's Hospital of Eastern Ontario
Classification: Likely benign for Cardiomyopathy. Last evaluated: 2021-06-18. Review status: criteria provided, single submitter. Criteria: ACMG Guidelines, 2015. Collection method: clinical testing. Allele origin: germline.

Labcorp Genetics (formerly Invitae), Labcorp
Classification: Likely benign for Catecholaminergic polymorphic ventricular tachycardia. Last evaluated: 2019-12-31. Review status: criteria provided, single submitter. Criteria: Invitae Variant Classification Sherloc (09022015). Collection method: clinical testing. Allele origin: germline.

GeneDx
Classification: Benign. Last evaluated: 2015-03-03. Review status: criteria provided, single submitter. Criteria: GeneDx Variant Classification Process June 2021. Collection method: clinical testing. Allele origin: germline. Affected: yes.